The following is an entry in ClinVar:

NM_178526.5(SLC25A42):c.600C>T (p.Tyr200=)

Gene: SLC25A42 (solute carrier family 25 member 42; plus strand). Cytogenetic location: 19p13.11.
Variant type: single nucleotide variant.
Coding change: c.600C>T on transcript NM_178526.5 (MANE Select); coding-DNA position 600, C replaced by T.
Protein change: p.Tyr200=; no amino-acid change (tyrosine 200 retained).
Molecular consequence: synonymous variant.
Genome position (GRCh38, 1-based): chr19:19,107,996, C>T. VCF-style: chr19-19107996-C-T. GRCh37 (hg19) VCF-style: chr19-19218805-C-T.
Other names: c.600C>T, p.Tyr200= (NM_001321544.2); c.600C>T (NM_178526.4).
Identifiers: ClinVar variation 1167559 (VCV001167559.25), dbSNP rs144929128, ClinGen allele CA9321542.
Genomic context (GRCh38, chr19:19,107,996, plus strand): 5'-AGAGGGGCTGAAGACTCTCTACCATGGATTTATGCCCACCGTGCTGGGGGTCATTCCCTA[C>T]GCTGGCCTGAGCTTCTTCACCTATGAGACGCTCAAGAGCTTGCACAGAGGTAAGGAGAGC-3'
Protein context (NP_848621.2, residues 190-210): FMPTVLGVIP[Tyr200=]AGLSFFTYET

ClinVar aggregate classification (germline): Benign/Likely benign. Review status: criteria provided, multiple submitters, no conflicts (2 of 4 stars). 5 submissions from 5 submitters: Benign (3); Likely benign (2). Last evaluated 2026-01-21.

Conditions:
SLC25A42-related disorder. Also called: SLC25A42-related condition.

Allele frequency attached by ClinVar (database versions not stated): TOPMed 0.00063; ESP Exome Variant Server 0.00085; 1000 Genomes Project 30x 0.00094; 1000 Genomes Project 0.00120; gnomAD exomes 0.00137 and 0.00197; ExAC 0.00172; gnomAD 0.00182 and 0.00189.
gnomAD v4.1: 2,255 of 1,610,866 alleles (0.14%); highest among the groups gnomAD compares: Non-Finnish European, 0.11%; 10 homozygotes.

Submissions (5):

Labcorp Genetics (formerly Invitae), Labcorp
Classification: Benign. Last evaluated: 2026-01-21. Review status: criteria provided, single submitter. Criteria: Invitae Variant Classification Sherloc (09022015). Collection method: clinical testing. Allele origin: germline.

PreventionGenetics, part of Exact Sciences
Classification: Benign for SLC25A42-related condition. Last evaluated: 2025-06-09. Review status: criteria provided, single submitter. Criteria: ACMG Guidelines, 2015. Collection method: clinical testing. Allele origin: germline.
Comment: This variant is classified as benign based on ACMG/AMP sequence variant interpretation guidelines (Richards et al. 2015 PMID: 25741868, with internal and published modifications).

CeGaT Center for Human Genetics Tuebingen
Classification: Likely benign. Last evaluated: 2025-06-01. Review status: criteria provided, single submitter. Criteria: CeGaT Center For Human Genetics Tuebingen Variant Classification Criteria Version 2. Collection method: clinical testing. Allele origin: germline. Affected: yes. Observed: 4 variant alleles.
Comment: SLC25A42: BP4, BP7

Blueprint Genetics
Classification: Likely benign. Last evaluated: 2024-11-21. Review status: criteria provided, single submitter. Criteria: ACMG Guidelines, 2015. Collection method: clinical testing. Allele origin: germline.

Breakthrough Genomics
Classification: Benign. Review status: criteria provided, single submitter. Criteria: ACMG Guidelines, 2015. Collection method: not provided. Allele origin: germline. Inheritance: Autosomal recessive inheritance. Affected: yes.